The following is an entry in ClinVar:

ClinVar aggregate classification (germline): Likely pathogenic. Review status: criteria provided, multiple submitters, no conflicts (2 of 4 stars). 2 submissions from 2 submitters: Likely pathogenic (2). Last evaluated 2016-09-01.

Conditions:
Hereditary spastic paraplegia 31. Also called: SPASTIC PARAPLEGIA 31, AUTOSOMAL DOMINANT. Identifiers: Orphanet 101011, MedGen C1853247, MONDO:0012453, OMIM 610250.

Submissions (3):

CeGaT Center for Human Genetics Tuebingen
Classification: Likely pathogenic. Last evaluated: 2016-09-01. Review status: criteria provided, single submitter. Criteria: CeGaT Center For Human Genetics Tuebingen Variant Classification Criteria Version 2. Collection method: clinical testing. Allele origin: germline. Affected: yes. Observed: 1 variant allele.

Juno Genomics, Hangzhou Juno Genomics, Inc
Classification: Likely pathogenic for Hereditary spastic paraplegia 31. Review status: criteria provided, single submitter. Criteria: ACMG Guidelines, 2015. Collection method: clinical testing. Allele origin: germline. Affected: yes.
Comment: Absent from controls (or at extremely low frequency if recessive) in Genome Aggregation Database.;Null variant in a gene where loss of function (LOF) is a known mechanism of disease.

Dr. Peter K. Rogan Lab, Western University
No classification provided (evidence only). Condition: Glioma susceptibility 1. Review status: no classification provided. Collection method: in vitro. Allele origin: not applicable. Functional consequence: skipped exon. Not counted in ClinVar's aggregate classification.

NM_001371279.1(REEP1):c.105+1G>A

Gene: REEP1 (receptor accessory protein 1; minus strand). Cytogenetic location: 2p11.2.
Variant type: single nucleotide variant.
Coding change: c.105+1G>A on transcript NM_001371279.1 (MANE Select); the canonical splice donor site of the intron after coding-DNA position 105, G replaced by A.
Molecular consequence: splice donor variant. On other transcripts: intron variant (1).
Genome position (GRCh38, 1-based): chr2:86,282,169, C>T on the plus strand (G>A on the coding strand, the complement: REEP1 is on the minus strand). VCF-style: chr2-86282169-C-T. GRCh37 (hg19) VCF-style: chr2-86509292-C-T.
Other names: NC_000002.11:g.86509292C>T; c.126+1G>A (NM_001164730.2); c.25-18128G>A (NM_001164731.2); c.105+1G>A (NM_001164732.2, NM_001371280.1, NM_022912.3 and 2 more transcripts).
Identifiers: ClinVar variation 425209 (VCV000425209.45), dbSNP rs1064797257, ClinGen allele CA16621755.